The following is an entry in ClinVar:

NM_002816.5(PSMD12):c.1315G>T (p.Val439Phe)

Gene: PSMD12 (proteasome 26S subunit, non-ATPase 12; minus strand). Cytogenetic location: 17q24.2.
Variant type: single nucleotide variant.
Coding change: c.1315G>T on transcript NM_002816.5 (MANE Select); coding-DNA position 1315, G replaced by T.
Protein change: p.Val439Phe; replaces valine 439 with phenylalanine.
Molecular consequence: missense variant.
Genome position (GRCh38, 1-based): chr17:67,340,899, C>A on the plus strand (G>T on the coding strand, the complement: PSMD12 is on the minus strand). VCF-style: chr17-67340899-C-A. GRCh37 (hg19) VCF-style: chr17-65337015-C-A.
Other names: c.1138G>T, p.Val380Phe (NM_001316341.2); c.1255G>T, p.Val419Phe (NM_174871.4); short protein forms V380F, V419F, V439F.
Identifiers: ClinVar variation 2575001 (VCV002575001.1), dbSNP rs2509678013, ClinGen allele CA400803208.

ClinVar aggregate classification (germline): Uncertain significance (1 of 4 stars; one submission).

Submission:

GeneDx
Classification: Uncertain significance. Last evaluated: 2023-02-01. Review status: criteria provided, single submitter. Criteria: GeneDx Variant Classification Process June 2021. Collection method: clinical testing. Allele origin: germline. Affected: yes.
Comment: Not observed at significant frequency in large population cohorts (gnomAD); In silico analysis supports that this missense variant has a deleterious effect on protein structure/function; Has not been previously published as pathogenic or benign to our knowledge